The following is an entry in ClinVar:

ClinVar aggregate classification (germline): Uncertain significance (1 of 4 stars; one submission).

Submission:

Mayo Clinic Laboratories, Mayo Clinic
Classification: Uncertain significance. Last evaluated: 2023-05-05. Review status: criteria provided, single submitter. Criteria: ACMG Guidelines, 2015. Collection method: clinical testing. Allele origin: germline. Observed: 1 variant allele.
Comment: BP4_strong, PM2_supporting

NM_000384.3(APOB):c.12515T>C (p.Phe4172Ser)

Gene: APOB (apolipoprotein B; minus strand). Cytogenetic location: 2p24.1.
Variant type: single nucleotide variant.
Coding change: c.12515T>C on transcript NM_000384.3 (MANE Select); coding-DNA position 12515, T replaced by C.
Protein change: p.Phe4172Ser; replaces phenylalanine 4172 with serine.
Molecular consequence: missense variant.
Genome position (GRCh38, 1-based): chr2:21,002,907, A>G on the plus strand (T>C on the coding strand, the complement: APOB is on the minus strand). VCF-style: chr2-21002907-A-G. GRCh37 (hg19) VCF-style: chr2-21225779-A-G.
Other names: p.Phe4172Ser; short protein forms F4172S.
Identifiers: ClinVar variation 2682733 (VCV002682733.1), dbSNP rs2465350326, ClinGen allele CA345971072.